The following is an entry in ClinVar:

NM_001876.4(CPT1A):c.892G>A (p.Gly298Arg)

Gene: CPT1A (carnitine palmitoyltransferase 1A; minus strand). Cytogenetic location: 11q13.3.
Variant type: single nucleotide variant.
Coding change: c.892G>A on transcript NM_001876.4 (MANE Select); coding-DNA position 892, G replaced by A.
Protein change: p.Gly298Arg; replaces glycine 298 with arginine.
Molecular consequence: missense variant.
Genome position (GRCh38, 1-based): chr11:68,793,390, C>T on the plus strand (G>A on the coding strand, the complement: CPT1A is on the minus strand). VCF-style: chr11-68793390-C-T. GRCh37 (hg19) VCF-style: chr11-68560858-C-T.
Other names: c.892G>A (NM_001876.3); c.892G>A, p.Gly298Arg (NM_001031847.3); short protein forms G298R.
Identifiers: ClinVar variation 2140825 (VCV002140825.2), dbSNP rs374202366, ClinGen allele CA6152488.

ClinVar aggregate classification (germline): Uncertain significance. Review status: criteria provided, multiple submitters, no conflicts (2 of 4 stars). 2 submissions from 2 submitters: Uncertain significance (2). Last evaluated 2024-01-23.

Conditions:
Inborn genetic diseases. Identifiers: MedGen C0950123, MeSH D030342.
Carnitine palmitoyl transferase 1A deficiency. Also called: CPT I DEFICIENCY; CPT DEFICIENCY, HEPATIC, TYPE I; CPT deficiency, hepatic, type IA; Carnitine palmitoyltransferase 1A deficiency; Carnitine palmitoyltransferase type I deficiency. Identifiers: Orphanet 156, MedGen C1829703, MONDO:0009705, OMIM 255120.

Allele frequency attached by ClinVar (database versions not stated): gnomAD exomes below 0.00001; TOPMed 0.00003; ExAC 0.00004; gnomAD 0.00006; ESP Exome Variant Server 0.00008; 1000 Genomes Project 30x 0.00016; 1000 Genomes Project 0.00020.
gnomAD v4.1: 14 of 1,610,350 alleles (0.00087%); highest among the groups gnomAD compares: African/African-American, 0.019%; no homozygotes.

Submissions (2):

Ambry Genetics
Classification: Uncertain significance for Inborn genetic diseases. Last evaluated: 2024-01-23. Review status: criteria provided, single submitter. Criteria: Ambry Variant Classification Scheme 2023. Collection method: clinical testing. Allele origin: germline.

Labcorp Genetics (formerly Invitae), Labcorp
Classification: Uncertain significance for Carnitine palmitoyl transferase 1A deficiency. Last evaluated: 2022-09-27. Review status: criteria provided, single submitter. Criteria: Invitae Variant Classification Sherloc (09022015). Collection method: clinical testing. Allele origin: germline.
Comment: This sequence change replaces glycine, which is neutral and non-polar, with arginine, which is basic and polar, at codon 298 of the CPT1A protein (p.Gly298Arg). This variant is present in population databases (rs374202366, gnomAD 0.03%). This variant has not been reported in the literature in individuals affected with CPT1A-related conditions. Advanced modeling of protein sequence and biophysical properties (such as structural, functional, and spatial information, amino acid conservation, physicochemical variation, residue mobility, and thermodynamic stability) has been performed at Invitae for this missense variant, however the output from this modeling did not meet the statistical confidence thresholds required to predict the impact of this variant on CPT1A protein function. In summary, the available evidence is currently insufficient to determine the role of this variant in disease. Therefore, it has been classified as a Variant of Uncertain Significance.